The following is an entry in ClinVar:

NM_003737.4(DCHS1):c.5797G>A (p.Asp1933Asn)

Gene: DCHS1 (dachsous cadherin-related 1; minus strand). Cytogenetic location: 11p15.4.
Variant type: single nucleotide variant.
Coding change: c.5797G>A on transcript NM_003737.4 (MANE Select); coding-DNA position 5797, G replaced by A.
Protein change: p.Asp1933Asn; replaces aspartic acid 1933 with asparagine.
Molecular consequence: missense variant.
Genome position (GRCh38, 1-based): chr11:6,627,242, C>T on the plus strand (G>A on the coding strand, the complement: DCHS1 is on the minus strand). VCF-style: chr11-6627242-C-T. GRCh37 (hg19) VCF-style: chr11-6648473-C-T.
Other names: short protein forms D1933N.
Identifiers: ClinVar variation 4761466 (VCV004761466.1).

ClinVar aggregate classification (germline): Uncertain significance (1 of 4 stars; one submission).

gnomAD v4.1: 2 of 1,613,408 alleles (0.00012%); highest among the groups gnomAD compares: East Asian, 0.0022%; no homozygotes.

Submission:

Labcorp Genetics (formerly Invitae), Labcorp
Classification: Uncertain significance. Last evaluated: 2026-02-02. Review status: criteria provided, single submitter. Criteria: Invitae Variant Classification Sherloc (09022015). Collection method: clinical testing. Allele origin: germline.
Comment: This sequence change replaces aspartic acid, which is acidic and polar, with asparagine, which is neutral and polar, at codon 1933 of the DCHS1 protein (p.Asp1933Asn). This variant is not present in population databases (gnomAD no frequency). This variant has not been reported in the literature in individuals affected with DCHS1-related conditions. Invitae Evidence Modeling of protein sequence and biophysical properties (such as structural, functional, and spatial information, amino acid conservation, physicochemical variation, residue mobility, and thermodynamic stability) has been performed for this missense variant. However, the output from this modeling did not meet the statistical confidence thresholds required to predict the impact of this variant on DCHS1 protein function. In summary, the available evidence is currently insufficient to determine the role of this variant in disease. Therefore, it has been classified as a Variant of Uncertain Significance.